The following is an entry in ClinVar:

ClinVar aggregate classification (germline): Pathogenic. Review status: criteria provided, multiple submitters, no conflicts (2 of 4 stars). 2 submissions from 2 submitters: Pathogenic (2). Last evaluated 2026-05-28.

Conditions:
Hereditary cancer-predisposing syndrome. Also called: Neoplastic Syndromes, Hereditary; Hereditary Cancer Syndrome; Tumor predisposition; Hereditary neoplastic syndrome. Identifiers: Orphanet 140162, MedGen C0027672, MeSH D009386, MONDO:0015356.
Gorlin syndrome. Also called: Basal cell nevus syndrome; Nevoid Basal Cell Carcinoma Syndrome. Identifiers: Orphanet 377, MedGen C0004779, MONDO:0007187.

Submissions (2):

Ambry Genetics
Classification: Pathogenic for Hereditary cancer-predisposing syndrome. Last evaluated: 2026-05-28. Review status: criteria provided, single submitter. Criteria: Ambry Variant Classification Scheme 2023. Collection method: clinical testing. Allele origin: germline.
Comment: The c.2539_2542delTACTinsAG pathogenic mutation, located in coding exon 15 of the PTCH1 gene, results from the deletion of 4 nucleotides and insertion of two nucleotides causing a translational frameshift with a predicted alternate stop codon (p.Y847Sfs*13). This variant is considered to be rare based on population cohorts in the Genome Aggregation Database (gnomAD). This alteration is expected to result in loss of function by premature protein truncation or nonsense-mediated mRNA decay. As such, this alteration is interpreted as a disease-causing mutation.

Labcorp Genetics (formerly Invitae), Labcorp
Classification: Pathogenic for Gorlin syndrome. Last evaluated: 2015-05-22. Review status: criteria provided, single submitter. Criteria: Invitae Variant Classification Sherloc (09022015). Collection method: clinical testing. Allele origin: germline.
Comment: This sequence change deletes four nucleotides and inserts 2 nucleotide in exon 15 of the PTCH1 mRNA (c.2539_2540delTACTinsAG), causing a frameshift at codon 848. This creates a premature translational stop signal (p.Phe848Glnfs*13) and is expected to result in an absent or disrupted protein product. While this particular sequence change has not been reported in the literature, truncating sequence changes in PTCH1 are known to be pathogenic (PMID: 16301862, 16419085). For these reasons, this variant has been classified as Pathogenic.

NM_000264.5(PTCH1):c.2539_2542delinsAG (p.Tyr847fs)

Genes: PTCH1 (patched 1; minus strand), LOC100507346 (uncharacterized LOC100507346; plus strand). Cytogenetic location: 9q22.32.
Variant type: Indel.
Coding change: c.2539_2542delinsAG on transcript NM_000264.5 (MANE Select); coding-DNA positions 2539 to 2542, TACT replaced by AG.
Protein change: p.Tyr847fs; shifts the reading frame from tyrosine 847.
Molecular consequence: frameshift variant. On other transcripts: non-coding transcript variant (2).
Genome position (GRCh38, 1-based): chr9:95,467,134-95,467,137, AGTA replaced by CT on the plus strand (TACT replaced by AG on the coding strand, the reverse complement: PTCH1 is on the minus strand). VCF-style: chr9-95467134-AGTA-CT. GRCh37 (hg19) VCF-style: chr9-98229416-AGTA-CT.
Other names: c.2341_2344delinsAG, p.Tyr781fs (NM_001083602.3); c.2536_2539delinsAG, p.Tyr846fs (NM_001083603.3); c.2086_2089delinsAG, p.Tyr696fs (NM_001083604.3, NM_001083605.3, NM_001083606.3 and 1 more transcripts); c.2383_2386delinsAG, p.Tyr795fs (NM_001354918.2); short protein forms Y696fs, Y846fs, Y795fs, Y847fs, Y781fs.
Identifiers: ClinVar variation 218279 (VCV000218279.6), dbSNP rs863225467, ClinGen allele CA339614.